The following is an entry in ClinVar:

ClinVar aggregate classification (germline): Uncertain significance. Review status: criteria provided, multiple submitters, no conflicts (2 of 4 stars). 2 submissions from 2 submitters: Uncertain significance (2). Last evaluated 2022-04-01.

Conditions:
Autosomal dominant hypocalcemia 1 (HYPOC1). Also called: HYPOCALCEMIA, FAMILIAL. Identifiers: MedGen C3715128, MONDO:0011013, OMIM 601198.
Familial hypocalciuric hypercalcemia (FHH). Also called: Familial benign hypercalcemia. Identifiers: Orphanet 405, MedGen C1809471, MONDO:0018458.
Nephrolithiasis/nephrocalcinosis. Identifiers: MedGen CN580796.

gnomAD v4.1: 1 of 1,614,254 alleles (0.000062%); highest among the groups gnomAD compares: Non-Finnish European, 0.000085%; no homozygotes.

Submissions (2):

Ambry Genetics
Classification: Uncertain significance for Nephrolithiasis/nephrocalcinosis. Last evaluated: 2022-04-01. Review status: criteria provided, single submitter. Criteria: Ambry Variant Classification Scheme 2023. Collection method: clinical testing. Allele origin: germline.
Comment: The p.E251D variant (also known as c.753G>C), located in coding exon 3 of the CASR gene, results from a G to C substitution at nucleotide position 753. The glutamic acid at codon 251 is replaced by aspartic acid, an amino acid with highly similar properties. This amino acid position is conserved. In addition, this alteration is predicted to be tolerated by in silico analysis. Since supporting evidence is limited at this time, the clinical significance of this alteration remains unclear.

Labcorp Genetics (formerly Invitae), Labcorp
Classification: Uncertain significance for Familial hypocalciuric hypercalcemia; Autosomal dominant hypocalcemia 1. Last evaluated: 2021-01-11. Review status: criteria provided, single submitter. Criteria: Invitae Variant Classification Sherloc (09022015). Collection method: clinical testing. Allele origin: germline.
Comment: This sequence change replaces glutamic acid with aspartic acid at codon 251 of the CASR protein (p.Glu251Asp). The glutamic acid residue is highly conserved and there is a small physicochemical difference between glutamic acid and aspartic acid. This variant is not present in population databases (ExAC no frequency). This variant has not been reported in the literature in individuals with CASR-related conditions. Algorithms developed to predict the effect of missense changes on protein structure and function output the following: SIFT: "Deleterious"; PolyPhen-2: "Benign"; Align-GVGD: "Class C35". The aspartic acid amino acid residue is found in multiple mammalian species, suggesting that this missense change does not adversely affect protein function. These predictions have not been confirmed by published functional studies and their clinical significance is uncertain. In summary, the available evidence is currently insufficient to determine the role of this variant in disease. Therefore, it has been classified as a Variant of Uncertain Significance.

NM_000388.4(CASR):c.753G>C (p.Glu251Asp)

Gene: CASR (calcium sensing receptor; plus strand). Cytogenetic location: 3q21.1.
Variant type: single nucleotide variant.
Coding change: c.753G>C on transcript NM_000388.4 (MANE Select); coding-DNA position 753, G replaced by C.
Protein change: p.Glu251Asp; replaces glutamic acid 251 with aspartic acid.
Molecular consequence: missense variant.
Genome position (GRCh38, 1-based): chr3:122,261,788, G>C. VCF-style: chr3-122261788-G-C. GRCh37 (hg19) VCF-style: chr3-121980635-G-C.
Other names: c.753G>C, p.Glu251Asp (NM_001178065.2); short protein forms E251D.
Identifiers: ClinVar variation 848789 (VCV000848789.12), dbSNP rs2074626568, ClinGen allele CA354151280.